The following is an entry in ClinVar:

ClinVar aggregate classification (germline): Pathogenic/Likely pathogenic. Review status: criteria provided, multiple submitters, no conflicts (2 of 4 stars). 2 submissions from 2 submitters: Pathogenic (1); Likely pathogenic (1). Last evaluated 2024-08-05.

Conditions:
RHO-related disorder. Also called: RHO-related condition.

Submissions (2):

Labcorp Genetics (formerly Invitae), Labcorp
Classification: Pathogenic. Last evaluated: 2024-08-05. Review status: criteria provided, single submitter. Criteria: Invitae Variant Classification Sherloc (09022015). Collection method: clinical testing. Allele origin: germline.
Comment: This sequence change creates a premature translational stop signal (p.Leu79*) in the RHO gene. It is expected to result in an absent or disrupted protein product. Loss-of-function variants in RHO are known to be pathogenic (PMID: 1303237, 21174529). This variant is present in population databases (no rsID available, gnomAD 0.002%). This variant has not been reported in the literature in individuals affected with RHO-related conditions. ClinVar contains an entry for this variant (Variation ID: 958245). For these reasons, this variant has been classified as Pathogenic.

Blueprint Genetics
Classification: Likely pathogenic for RHO-related disorders. Last evaluated: 2022-09-01. Review status: criteria provided, single submitter. Criteria: ACMG Guidelines, 2015. Collection method: clinical testing. Allele origin: germline. Affected: yes. Observed: 1 variant allele.

Literature cited by the submitters: PubMed 1303237 (cited by Labcorp Genetics (formerly Invitae), Labcorp); PubMed 21174529 (cited by Labcorp Genetics (formerly Invitae), Labcorp).

NM_000539.3(RHO):c.235del (p.Asn78_Leu79insTer)

Gene: RHO (rhodopsin; plus strand). Cytogenetic location: 3q22.1.
Variant type: Deletion.
Coding change: c.235del on transcript NM_000539.3 (MANE Select); coding-DNA position 235, one base deleted (C; older notation c.235delC).
Protein change: p.Asn78_Leu79insTer.
Molecular consequence: nonsense.
Genome position (GRCh38, 1-based): chr3:129,528,968, C deleted; the last of 2 consecutive C bases (chr3:129,528,967-129,528,968); deleting either gives the same sequence. VCF-style (leftmost placement, unchanged base first): chr3-129528966-AC-A. GRCh37 (hg19) VCF-style: chr3-129247809-AC-A.
Identifiers: ClinVar variation 958245 (VCV000958245.8), dbSNP rs1478248064, ClinGen allele CA546417604.